The following is an entry in ClinVar:

NM_002693.3(POLG):c.978A>C (p.Thr326=)

Gene: POLG (DNA polymerase gamma, catalytic subunit; minus strand). Cytogenetic location: 15q26.1.
Variant type: single nucleotide variant.
Coding change: c.978A>C on transcript NM_002693.3 (MANE Select); coding-DNA position 978, A replaced by C.
Protein change: p.Thr326=; no amino-acid change (threonine 326 retained).
Molecular consequence: synonymous variant.
Genome position (GRCh38, 1-based): chr15:89,328,988, T>G on the plus strand (A>C on the coding strand, the complement: POLG is on the minus strand). VCF-style: chr15-89328988-T-G. GRCh37 (hg19) VCF-style: chr15-89872219-T-G.
Other names: c.978A>C, p.Thr326= (NM_001126131.2).
Identifiers: ClinVar variation 696191 (VCV000696191.39), dbSNP rs1161197876, ClinGen allele CA492078059.

ClinVar aggregate classification (germline): Likely benign. Review status: criteria provided, multiple submitters, no conflicts (2 of 4 stars). 2 submissions from 2 submitters: Likely benign (2). Last evaluated 2023-04-09.

Conditions:
Progressive sclerosing poliodystrophy (MTDPS4A). Also called: ALPERS DIFFUSE DEGENERATION OF CEREBRAL GRAY MATTER WITH HEPATIC CIRRHOSIS; Mitochondrial DNA Depletion Syndrome 4A; Alpers Syndrome; Alpers-Huttenlocher Syndrome; NEURONAL DEGENERATION OF CHILDHOOD WITH LIVER DISEASE, PROGRESSIVE; Mitochondrial DNA depletion syndrome 4A (Alpers type). Identifiers: Orphanet 726, MedGen C0205710, MONDO:0008758, OMIM 203700.

Allele frequency attached by ClinVar (database versions not stated): gnomAD exomes below 0.00001; gnomAD 0.00001; TOPMed 0.00001.

Submissions (2):

Labcorp Genetics (formerly Invitae), Labcorp
Classification: Likely benign for Progressive sclerosing poliodystrophy. Last evaluated: 2023-04-09. Review status: criteria provided, single submitter. Criteria: Invitae Variant Classification Sherloc (09022015). Collection method: clinical testing. Allele origin: germline.

CeGaT Center for Human Genetics Tuebingen
Classification: Likely benign. Last evaluated: 2022-10-01. Review status: criteria provided, single submitter. Criteria: CeGaT Center For Human Genetics Tuebingen Variant Classification Criteria Version 2. Collection method: clinical testing. Allele origin: germline. Affected: yes. Observed: 1 variant allele.
Comment: POLG: BP4, BP7